The following is an entry in ClinVar:

ClinVar aggregate classification (germline): Uncertain significance. Review status: criteria provided, multiple submitters, no conflicts (2 of 4 stars). 2 submissions from 2 submitters: Uncertain significance (2). Last evaluated 2025-11-08.

Allele frequency attached by ClinVar (database versions not stated): gnomAD exomes 0.00005 and 0.00010; TOPMed 0.00005; gnomAD 0.00007 and 0.00009; ExAC 0.00008.
gnomAD v4.1: 104 of 1,614,050 alleles (0.0064%); highest among the groups gnomAD compares: Middle Eastern, 0.066%; no homozygotes.

Submissions (2):

Ambry Genetics
Classification: Uncertain significance. Last evaluated: 2025-11-08. Review status: criteria provided, single submitter. Criteria: Ambry Variant Classification Scheme 2023. Collection method: clinical testing. Allele origin: germline.

Labcorp Genetics (formerly Invitae), Labcorp
Classification: Uncertain significance. Last evaluated: 2025-10-08. Review status: criteria provided, single submitter. Criteria: Invitae Variant Classification Sherloc (09022015). Collection method: clinical testing. Allele origin: germline.
Comment: This sequence change replaces serine, which is neutral and polar, with phenylalanine, which is neutral and non-polar, at codon 12 of the DHX32 protein (p.Ser12Phe). This variant is present in population databases (rs754210938, gnomAD 0.02%). This variant has not been reported in the literature in individuals affected with DHX32-related conditions. ClinVar contains an entry for this variant (Variation ID: 1381646). An algorithm developed to predict the effect of missense changes on protein structure and function (PolyPhen-2) suggests that this variant is likely to be tolerated. In summary, the available evidence is currently insufficient to determine the role of this variant in disease. Therefore, it has been classified as a Variant of Uncertain Significance.

NM_018180.3(DHX32):c.35C>T (p.Ser12Phe)

Gene: DHX32 (DEAH-box helicase 32 (putative); minus strand). Cytogenetic location: 10q26.2.
Variant type: single nucleotide variant.
Coding change: c.35C>T on transcript NM_018180.3 (MANE Select); coding-DNA position 35, C replaced by T.
Protein change: p.Ser12Phe; replaces serine 12 with phenylalanine.
Molecular consequence: missense variant.
Genome position (GRCh38, 1-based): chr10:125,880,790, G>A on the plus strand (C>T on the coding strand, the complement: DHX32 is on the minus strand). VCF-style: chr10-125880790-G-A. GRCh37 (hg19) VCF-style: chr10-127569359-G-A.
Other names: c.35C>T (NM_018180.2); short protein forms S12F.
Identifiers: ClinVar variation 1381646 (VCV001381646.8), dbSNP rs754210938, ClinGen allele CA5739538.